The following is an entry in ClinVar:

ClinVar aggregate classification (germline): Conflicting classifications of pathogenicity. Review status: criteria provided, conflicting classifications (1 of 4 stars). 2 submissions from 2 submitters: Uncertain significance (1); Likely benign (1). Last evaluated 2026-09-08.

Conditions:
Fabry disease. Also called: HEREDITARY DYSTOPIC LIPIDOSIS; ALPHA-GALACTOSIDASE A DEFICIENCY; ANDERSON-FABRY DISEASE; CERAMIDE TRIHEXOSIDASE DEFICIENCY; GLA DEFICIENCY; Fabry's disease. Identifiers: Orphanet 324, MedGen C0002986, MONDO:0010526, OMIM 301500, HP:0001071. Disease mechanism: Fabry disease is due to inactivating mutations in the X-linked GLA gene resulting in deficiency of the enzyme Alpha Galactosidase-A., loss of function.

Submissions (2):

Genomenon, Inc
Classification: Uncertain significance for Fabry disease. Last evaluated: 2026-09-08. Review status: criteria provided, single submitter. Criteria: Genomenon Sequence Variant Interpretation Standards - Updated. Collection method: curation. Allele origin: germline. Affected: no.
Comment: GLA c.548-7C>T is an intronic variant located in the acceptor splice region of intron 3. This variant has been reported in the published literature (PMID:30099469). It is absent or not present at a significant frequency in gnomAD. In silico models predict that this variant is not damaging. In conclusion, we classify GLA c.548-7C>T as a variant of uncertain significance.

Labcorp Genetics (formerly Invitae), Labcorp
Classification: Likely benign for Fabry disease. Last evaluated: 2024-09-12. Review status: criteria provided, single submitter. Criteria: Invitae Variant Classification Sherloc (09022015). Collection method: clinical testing. Allele origin: germline.

Literature cited by the submitters: PubMed 30099469 (cited by Genomenon, Inc).

NM_000169.3(GLA):c.548-7C>T

Genes: GLA (galactosidase alpha; minus strand), RPL36A-HNRNPH2 (RPL36A-HNRNPH2 readthrough; plus strand). Cytogenetic location: Xq22.1.
Variant type: single nucleotide variant.
Coding change: c.548-7C>T on transcript NM_000169.3 (MANE Select); 7 bases into the intron before coding-DNA position 548, C replaced by T.
Molecular consequence: intron variant.
Genome position (GRCh38, 1-based): chrX:101,400,764, G>A on the plus strand (C>T on the coding strand, the complement: GLA is on the minus strand). VCF-style: chrX-101400764-G-A. GRCh37 (hg19) VCF-style: chrX-100655752-G-A.
Other names: c.300+5307G>A (NM_001199973.2); c.177+8942G>A (NM_001199974.2); c.671-7C>T (NM_001406747.1); c.548-7C>T (NM_001406748.1).
Identifiers: ClinVar variation 1114904 (VCV001114904.11), dbSNP rs2147476255, ClinGen allele CA2499226274.
Genomic context (GRCh38, chrX:101,400,764, plus strand): 5'-AGTACACAATGCTTCTGCCAGTCCTATTCAGGGCCAAGGACATGTGCTTATAACCTGTAT[G>A]AGAAAACAATGGGTAAAATAAGGGAAAGAAATGAATTTCCAGCTGGGGCTATATATATAG-3'